The following is an entry in ClinVar:

NM_001122681.2(SH3BP2):c.1448G>C (p.Gly483Ala)

Gene: SH3BP2 (SH3 domain binding protein 2; plus strand). Cytogenetic location: 4p16.3.
Variant type: single nucleotide variant.
Coding change: c.1448G>C on transcript NM_001122681.2 (MANE Select); coding-DNA position 1448, G replaced by C.
Protein change: p.Gly483Ala; replaces glycine 483 with alanine.
Molecular consequence: missense variant.
Genome position (GRCh38, 1-based): chr4:2,832,372, G>C. VCF-style: chr4-2832372-G-C. GRCh37 (hg19) VCF-style: chr4-2834099-G-C.
Other names: c.1532G>C, p.Gly511Ala (NM_001145855.2); c.1619G>C, p.Gly540Ala (NM_001145856.2); c.1448G>C, p.Gly483Ala (NM_003023.4); short protein forms G483A, G511A, G540A.
Identifiers: ClinVar variation 837389 (VCV000837389.10), dbSNP rs748160727, ClinGen allele CA2819556.

ClinVar aggregate classification (germline): Uncertain significance (1 of 4 stars; one submission).

Conditions:
Fibrous dysplasia of jaw (CRBM). Also called: Cherubism. Identifiers: Orphanet 184, MedGen C0008029, MONDO:0007315, OMIM 118400.

Allele frequency attached by ClinVar (database versions not stated): TOPMed 0.00001; ExAC 0.00002; gnomAD 0.00002; gnomAD exomes 0.00002.
gnomAD v4.1: 35 of 1,614,018 alleles (0.0022%); highest among the groups gnomAD compares: Non-Finnish European, 0.0029%; no homozygotes.

Submission:

Labcorp Genetics (formerly Invitae), Labcorp
Classification: Uncertain significance for Fibrous dysplasia of jaw. Last evaluated: 2019-12-27. Review status: criteria provided, single submitter. Criteria: Invitae Variant Classification Sherloc (09022015). Collection method: clinical testing. Allele origin: germline.
Comment: In summary, the available evidence is currently insufficient to determine the role of this variant in disease. Therefore, it has been classified as a Variant of Uncertain Significance. Algorithms developed to predict the effect of missense changes on protein structure and function are either unavailable or do not agree on the potential impact of this missense change (SIFT: "Deleterious"; PolyPhen-2: "Probably Damaging"; Align-GVGD: "Class C0"). This variant has not been reported in the literature in individuals with SH3BP2-related conditions. This variant is present in population databases (rs748160727, ExAC 0.003%). This sequence change replaces glycine with alanine at codon 483 of the SH3BP2 protein (p.Gly483Ala). The glycine residue is highly conserved and there is a small physicochemical difference between glycine and alanine.